The following is an entry in ClinVar:

ClinVar aggregate classification (germline): Uncertain significance (1 of 4 stars; one submission).

Conditions:
Branchiootic syndrome 3 (BOS3). Also called: BO SYNDROME 3. Identifiers: MedGen C1842124, MONDO:0012025, OMIM 608389.
Autosomal dominant nonsyndromic hearing loss 23. Identifiers: Orphanet 90635, MedGen C1854594, MONDO:0011519, OMIM 605192.

Submission:

Labcorp Genetics (formerly Invitae), Labcorp
Classification: Uncertain significance for Autosomal dominant nonsyndromic hearing loss 23; Branchiootic syndrome 3. Last evaluated: 2023-03-04. Review status: criteria provided, single submitter. Criteria: Invitae Variant Classification Sherloc (09022015). Collection method: clinical testing. Allele origin: germline.
Comment: In summary, the available evidence is currently insufficient to determine the role of this variant in disease. Therefore, it has been classified as a Variant of Uncertain Significance. This variant is not present in population databases (gnomAD no frequency). This sequence change replaces glutamic acid, which is acidic and polar, with glutamine, which is neutral and polar, at codon 153 of the SIX1 protein (p.Glu153Gln). This variant has not been reported in the literature in individuals affected with SIX1-related conditions. Advanced modeling of protein sequence and biophysical properties (such as structural, functional, and spatial information, amino acid conservation, physicochemical variation, residue mobility, and thermodynamic stability) performed at Invitae indicates that this missense variant is not expected to disrupt SIX1 protein function.

NM_005982.4(SIX1):c.457G>C (p.Glu153Gln)

Gene: SIX1 (SIX homeobox 1; minus strand). Cytogenetic location: 14q23.1.
Variant type: single nucleotide variant.
Coding change: c.457G>C on transcript NM_005982.4 (MANE Select); coding-DNA position 457, G replaced by C.
Protein change: p.Glu153Gln; replaces glutamic acid 153 with glutamine.
Molecular consequence: missense variant.
Genome position (GRCh38, 1-based): chr14:60,648,733, C>G on the plus strand (G>C on the coding strand, the complement: SIX1 is on the minus strand). VCF-style: chr14-60648733-C-G. GRCh37 (hg19) VCF-style: chr14-61115451-C-G.
Other names: c.457G>C, p.Glu153Gln (NM_001425142.1); short protein forms E153Q.
Identifiers: ClinVar variation 2944984 (VCV002944984.3), dbSNP rs1317609914, ClinGen allele CA389910268.